The following is an entry in ClinVar:

NM_004656.4(BAP1):c.278C>T (p.Thr93Ile)

Gene: BAP1 (BRCA1 associated deubiquitinase 1; minus strand). Cytogenetic location: 3p21.1.
Variant type: single nucleotide variant.
Coding change: c.278C>T on transcript NM_004656.4 (MANE Select); coding-DNA position 278, C replaced by T.
Protein change: p.Thr93Ile; replaces threonine 93 with isoleucine.
Molecular consequence: missense variant.
Genome position (GRCh38, 1-based): chr3:52,408,055, G>A on the plus strand (C>T on the coding strand, the complement: BAP1 is on the minus strand). VCF-style: chr3-52408055-G-A. GRCh37 (hg19) VCF-style: chr3-52442071-G-A.
Other names: c.278C>T, p.Thr93Ile (NM_001410772.1); short protein forms T93I.
Identifiers: ClinVar variation 2457658 (VCV002457658.5), dbSNP rs2153228140, ClinGen allele CA353112567.

ClinVar aggregate classification (germline): Uncertain significance. Review status: criteria provided, multiple submitters, no conflicts (2 of 4 stars). 2 submissions from 2 submitters: Uncertain significance (2). Last evaluated 2025-02-18.

Conditions:
Hereditary cancer-predisposing syndrome. Also called: Neoplastic Syndromes, Hereditary; Hereditary neoplastic syndrome; Tumor predisposition; Hereditary Cancer Syndrome. Identifiers: Orphanet 140162, MedGen C0027672, MeSH D009386, MONDO:0015356.
BAP1-related tumor predisposition syndrome (TPDS1). Also called: BAP1 tumor predisposition syndrome; TUMOR PREDISPOSITION SYNDROME 1; Tumor susceptibility linked to germline BAP1 mutations; COMMON Syndrome. Identifiers: Orphanet 289539, MedGen C3280492, MONDO:0013692, OMIM 614327.

Submissions (2):

Labcorp Genetics (formerly Invitae), Labcorp
Classification: Uncertain significance for BAP1-related tumor predisposition syndrome. Last evaluated: 2025-02-18. Review status: criteria provided, single submitter. Criteria: Invitae Variant Classification Sherloc (09022015). Collection method: clinical testing. Allele origin: germline.
Comment: This sequence change replaces threonine, which is neutral and polar, with isoleucine, which is neutral and non-polar, at codon 93 of the BAP1 protein (p.Thr93Ile). This variant is not present in population databases (gnomAD no frequency). This variant has not been reported in the literature in individuals affected with BAP1-related conditions. ClinVar contains an entry for this variant (Variation ID: 2457658). Invitae Evidence Modeling of protein sequence and biophysical properties (such as structural, functional, and spatial information, amino acid conservation, physicochemical variation, residue mobility, and thermodynamic stability) indicates that this missense variant is expected to disrupt BAP1 protein function with a positive predictive value of 80%. In summary, the available evidence is currently insufficient to determine the role of this variant in disease. Therefore, it has been classified as a Variant of Uncertain Significance.

Ambry Genetics
Classification: Uncertain significance for Hereditary cancer-predisposing syndrome. Last evaluated: 2022-11-29. Review status: criteria provided, single submitter. Criteria: Ambry Variant Classification Scheme 2023. Collection method: clinical testing. Allele origin: germline.
Comment: The p.T93I variant (also known as c.278C>T), located in coding exon 5 of the BAP1 gene, results from a C to T substitution at nucleotide position 278. The threonine at codon 93 is replaced by isoleucine, an amino acid with similar properties. This amino acid position is highly conserved in available vertebrate species. In addition, this alteration is predicted to be deleterious by in silico analysis. Since supporting evidence is limited at this time, the clinical significance of this alteration remains unclear.